The following is an entry in ClinVar:

NM_018646.6(TRPV6):c.1765G>A (p.Val589Met)

Gene: TRPV6 (transient receptor potential cation channel subfamily V member 6; minus strand). Cytogenetic location: 7q34.
Variant type: single nucleotide variant.
Coding change: c.1765G>A on transcript NM_018646.6 (MANE Select); coding-DNA position 1765, G replaced by A.
Protein change: p.Val589Met; replaces valine 589 with methionine.
Molecular consequence: missense variant.
Genome position (GRCh38, 1-based): chr7:142,873,591, C>T on the plus strand (G>A on the coding strand, the complement: TRPV6 is on the minus strand). VCF-style: chr7-142873591-C-T. GRCh37 (hg19) VCF-style: chr7-142571344-C-T.
Other names: p.Val589Met; c.1645G>A (NM_018646.2); short protein forms V589M.
Identifiers: ClinVar variation 1331661 (VCV001331661.7), dbSNP rs764407610, ClinGen allele CA4532411.
Genomic context (GRCh38, chr7:142,873,591, plus strand): 5'-GCAGTGTGGCGATGATGGCAAAGGCAGCATAGGTGATGCTGTACATGAAGGGCAGGTCCA[C>T]GTTGTAGTTGGCTGGGCCATCGATGATGGTAAGGAACAGCTCGAAGGTGCTGAACAGGGC-3'
Protein context (NP_061116.5, residues 579-599): TIIDGPANYN[Val589Met]DLPFMYSITY

ClinVar aggregate classification (germline): Uncertain significance. Review status: criteria provided, multiple submitters, no conflicts (2 of 4 stars). 4 submissions from 4 submitters: Uncertain significance (4). Last evaluated 2026-01-11.

Conditions:
Inborn genetic diseases. Identifiers: MedGen C0950123, MeSH D030342.

Allele frequency attached by ClinVar (database versions not stated): TOPMed 0.00001; ExAC 0.00002; gnomAD 0.00002; gnomAD exomes 0.00003 and 0.00005.
gnomAD v4.1: 72 of 1,614,026 alleles (0.0045%); highest among the groups gnomAD compares: Middle Eastern, 0.033%; no homozygotes.

Submissions (4):

Labcorp Genetics (formerly Invitae), Labcorp
Classification: Uncertain significance. Last evaluated: 2026-01-11. Review status: criteria provided, single submitter. Criteria: Invitae Variant Classification Sherloc (09022015). Collection method: clinical testing. Allele origin: germline.
Comment: This sequence change replaces valine, which is neutral and non-polar, with methionine, which is neutral and non-polar, at codon 589 of the TRPV6 protein (p.Val589Met). This variant is present in population databases (rs764407610, gnomAD 0.01%). This missense change has been observed in individual(s) with chronic pancreatitis (PMID: 32383311). ClinVar contains an entry for this variant (Variation ID: 1331661). Algorithms developed to predict the effect of variants on gene product structure and function are not available or were not evaluated for this variant. Experimental studies have shown that this missense change does not substantially affect TRPV6 function (PMID: 32383311). In summary, the available evidence is currently insufficient to determine the role of this variant in disease. Therefore, it has been classified as a Variant of Uncertain Significance.

Mayo Clinic Laboratories, Mayo Clinic
Classification: Uncertain significance. Last evaluated: 2025-10-19. Review status: criteria provided, single submitter. Criteria: ACMG Guidelines, 2015. Collection method: clinical testing. Allele origin: germline. Observed: 1 variant allele.
Comment: PM2_supporting

Ambry Genetics
Classification: Uncertain significance for Inborn genetic diseases. Last evaluated: 2024-12-25. Review status: criteria provided, single submitter. Criteria: Ambry Variant Classification Scheme 2023. Collection method: clinical testing. Allele origin: germline.

Greenwood Genetic Center Diagnostic Laboratories, Greenwood Genetic Center
Classification: Uncertain significance. Last evaluated: 2021-01-23. Review status: criteria provided, single submitter. Criteria: ACMG Guidelines, 2015. Collection method: clinical testing. Allele origin: germline. Affected: yes.
Comment: PM2

Literature cited by the submitters: PubMed 32383311 (cited by Labcorp Genetics (formerly Invitae), Labcorp and Mayo Clinic Laboratories, Mayo Clinic).